The following is an entry in ClinVar:

ClinVar aggregate classification (germline): Uncertain significance (0 of 4 stars; one submission).

Conditions:
Autism (AUTS). Also called: Autistic disorder of childhood onset; Autistic disorder. Identifiers: MedGen C0004352, MeSH D001321, MONDO:0005260, OMIM 209850, HP:0000717.

Submission:

Centre for Addiction & Mental Health
Classification: Uncertain significance for Autism. Review status: no assertion criteria provided. Collection method: research. Allele origin: de novo. Affected: yes. Observed: 1 heterozygote. Segregation with disease not observed.
Comment: Gene not previously associated with disease; independent supporting evidence needed

NR_168285.1(LOC100129697):n.977G>A

Genes: CBFA2T3 (CBFA2/RUNX1 partner transcriptional co-repressor 3; minus strand), LOC100129697 (uncharacterized LOC100129697; plus strand), LOC130059769 (ATAC-STARR-seq lymphoblastoid silent region 7885; plus strand). Cytogenetic location: 16q24.3.
Variant type: single nucleotide variant.
Molecular consequence: intron variant (on NM_005187.6). On other transcripts: non-coding transcript variant (1).
Genome position: GRCh38 VCF-style: chr16-88940247-G-A. GRCh37 (hg19) VCF-style: chr16-89006655-G-A.
Other names: NM_001290330.2:c.53G>A; c.151+36410C>T (NM_005187.6); c.-33+773C>T (NM_175931.3).
Identifiers: ClinVar variation 3338223 (VCV003338223.2).